The following is an entry in ClinVar:

ClinVar aggregate classification (germline): Likely pathogenic. Review status: reviewed by expert panel (3 of 4 stars). 3 submissions from 3 submitters: Likely pathogenic (1). 2 of the submissions do not count toward it. Last evaluated 2026-04-09.

Conditions:
Glycogen storage disease, type II (IOPD). Also called: CARDIOMEGALIA GLYCOGENICA DIFFUSA; GLYCOGENOSIS, GENERALIZED, CARDIAC FORM; GSD II; Glucosidase acid-1,4-alpha deficiency; POMPE DISEASE, INFANTILE-ONSET; GLYCOGEN STORAGE DISEASE II, INFANTILE-ONSET. Identifiers: Orphanet 365, MedGen C0017921, MONDO:0009290, OMIM 232300.

Submissions (3):

ClinGen Lysosomal Storage Disorder Variant Curation Expert Panel
Classification: Likely pathogenic for Glycogen storage disease, type II. Last evaluated: 2026-04-09. Review status: reviewed by expert panel. Criteria: clingen_lsd_acmg_specifications_v2-1. Collection method: curation. Allele origin: germline. Inheritance: Autosomal recessive inheritance.
Comment: The NM_000152.5:c.1961C>A (p.Ser654Ter) variant in GAA is a nonsense variant predicted to cause a premature stop codon in biologically-relevant-exon 14 out of a total of 20 exons, leading to nonsense mediated decay in a gene in which loss-of-function is an established disease mechanism (PVS1). The variant is absent in gnomAD v4.1.0. (PM2_Supporting). To our knowledge, this variant has not been reported in the literature in any individual with Pompe disease. However, there is a ClinVar entry for this variant (Variation ID 372968), and a different variant resulting in a stop codon at the same position, c.1961C>G (p.Ser654Ter), has been reported (PMID: 31342611). The classification of this variant has been upgraded from Variant of Uncertain Significance to Likely Pathogenic based on the recommendations of the ClinGen Sequence Variant Interpretation Working Group, that a variant meeting PVS1 and PM2_Supporting is classified as Likely Pathogenic. In summary, this variant meets the criteria to be classified as Likely Pathogenic for Pompe disease. GAA-specific ACMG/AMP criteria met, based on the specifications of the ClinGen Lysosomal Diseases VCEP (Specifications Version 2.0): PVS1, PM2_Supporting. (Classification approved by the ClinGen Lysosomal Diseases VCEP, April 9, 2026).

Myriad Genetics, Inc.
Classification: Pathogenic for Glycogen storage disease, type II. Last evaluated: 2024-05-08. Review status: criteria provided, single submitter. Criteria: Myriad Autosomal Dominant, Autosomal Recessive and X-Linked Classification Criteria (2023). Collection method: clinical testing. Allele origin: unknown. Not counted in ClinVar's aggregate classification.
Comment: NM_000152.3(GAA):c.1961C>A(S654*) is expected to be pathogenic in the context of Pompe disease. This variant is predicted to lead to an abnormal or absent protein product due to the creation of a premature termination codon in GAA, a gene where loss-of-function variants are known to be pathogenic. Please note: this variant was assessed in the context of healthy population screening.

GeneDx
Classification: Likely pathogenic. Last evaluated: 2016-06-16. Review status: criteria provided, single submitter. Criteria: GeneDx Variant Classification (06012015). Collection method: clinical testing. Allele origin: germline. Affected: yes. Not counted in ClinVar's aggregate classification.
Comment: The S654X variant in the GAA gene has not been reported previously as a pathogenic variant nor as a benign variant, to our knowledge. This variant is predicted to cause loss of normal protein function either through protein truncation or nonsense-mediated mRNA decay. The S654X variant was not observed in approximately 6500 individuals of European and African American ancestry in the NHLBI Exome Sequencing Project, indicating it is not a common benign variant in these populations. The S654X is a strong candidate for a pathogenic variant, however the possibility it may be a rare benign variant cannot be excluded.

NM_000152.5(GAA):c.1961C>A (p.Ser654Ter)

Gene: GAA (alpha glucosidase; plus strand). Cytogenetic location: 17q25.3.
Variant type: single nucleotide variant.
Coding change: c.1961C>A on transcript NM_000152.5 (MANE Select); coding-DNA position 1961, C replaced by A.
Protein change: p.Ser654Ter; replaces serine 654 with a stop codon.
Molecular consequence: nonsense.
Genome position (GRCh38, 1-based): chr17:80,112,948, C>A. VCF-style: chr17-80112948-C-A. GRCh37 (hg19) VCF-style: chr17-78086747-C-A.
Other names: c.1961C>A (LRG_673t1); c.1961C>A, p.Ser654Ter (NM_001079803.3, NM_001079804.3); short protein forms S654*.
Identifiers: ClinVar variation 372968 (VCV000372968.7), dbSNP rs1057518106, ClinGen allele CA16043014.